The following is an entry in ClinVar:

NM_001709.5(BDNF):c.-21-8C>T

Genes: BDNF (brain derived neurotrophic factor; minus strand), BDNF-AS (BDNF antisense RNA; plus strand). Cytogenetic location: 11p14.1.
Variant type: single nucleotide variant.
Coding change: c.-21-8C>T on transcript NM_001709.5 (MANE Select); 8 bases into the intron before 21 bases upstream of the start codon, C replaced by T.
Molecular consequence: intron variant. On other transcripts: 5 prime UTR variant (1).
Genome position (GRCh38, 1-based): chr11:27,658,593, G>A on the plus strand (C>T on the coding strand, the complement: BDNF is on the minus strand). VCF-style: chr11-27658593-G-A. GRCh37 (hg19) VCF-style: chr11-27680140-G-A.
Other names: c.-29C>T (NM_170735.6); c.4-8C>T (NM_170731.5); c.-21-8C>T (NM_001143805.1, NM_001143806.1, NM_170732.4 and 8 more transcripts); c.67-8C>T (NM_001143809.2); c.226-8C>T (NM_001143810.2); c.25-8C>T (NM_170734.4).
Identifiers: ClinVar variation 4987145 (VCV004987145.1).

ClinVar aggregate classification (germline): Likely benign (1 of 4 stars; one submission).

Conditions:
BDNF-related disorder. Also called: BDNF-related condition.

Submission:

PreventionGenetics, part of Exact Sciences
Classification: Likely benign for BDNF-related condition. Last evaluated: 2026-03-10. Review status: criteria provided, single submitter. Criteria: ACMG Guidelines, 2015. Collection method: clinical testing. Allele origin: germline.
Comment: This variant is classified as likely benign based on ACMG/AMP sequence variant interpretation guidelines (Richards et al. 2015 PMID: 25741868, with internal and published modifications).